The following is an entry in ClinVar:

ClinVar aggregate classification (germline): Uncertain significance. Review status: criteria provided, multiple submitters, no conflicts (2 of 4 stars). 4 submissions from 4 submitters: Uncertain significance (4). Last evaluated 2026-03-08.

Conditions:
TTN-related disorder. Also called: TTN-related condition; TTN-related disease; TTN-related disorders.

Allele frequency attached by ClinVar (database versions not stated): gnomAD 0.00001; gnomAD exomes 0.00001 and 0.00003; ExAC 0.00002; TOPMed 0.00002.
gnomAD v4.1: 46 of 1,613,706 alleles (0.0029%); highest among the groups gnomAD compares: Non-Finnish European, 0.0036%; no homozygotes.

Submissions (4):

PreventionGenetics, part of Exact Sciences
Classification: Uncertain significance for TTN-related condition. Last evaluated: 2026-03-08. Review status: criteria provided, single submitter. Criteria: ACMG Guidelines, 2015. Collection method: clinical testing. Allele origin: germline.
Comment: The TTN c.85195G>A variant is predicted to result in the amino acid substitution p.Glu28399Lys. This variant has been reported as a variant of uncertain significance in an individual with cardiomyopathy (described as p.Glu25831Lys in Table S1, Pugh et al. 2014. PubMed ID: 24503780). This variant is reported in 0.0065% of alleles in individuals of African descent in gnomAD. At this time, the clinical significance of this variant is uncertain due to the absence of conclusive functional and genetic evidence.

Revvity Omics, Revvity
Classification: Uncertain significance. Last evaluated: 2023-03-24. Review status: criteria provided, single submitter. Criteria: ACMG Guidelines, 2015. Collection method: clinical testing. Allele origin: germline.

Athena Diagnostics
Classification: Uncertain significance. Last evaluated: 2020-11-17. Review status: criteria provided, single submitter. Criteria: Athena Diagnostics criteria. Collection method: clinical testing. Allele origin: unknown.

Laboratory for Molecular Medicine, Mass General Brigham Personalized Medicine
Classification: Uncertain significance. Last evaluated: 2012-04-12. Review status: criteria provided, single submitter. Criteria: LMM Criteria. Collection method: clinical testing. Allele origin: germline. Observed: 1 variant allele.
Comment: The Glu25831Lys variant in TTN has not been reported in the literature nor previ ously identified by our laboratory. Computational analyses (biochemical amino ac id properties, conservation, AlignGVGD, PolyPhen2, and SIFT) do not provide stro ng support for or against an impact to the protein. Additional information is ne eded to fully assess the clinical significance of the Glu25831Lys variant.

NM_001267550.2(TTN):c.85195G>A (p.Glu28399Lys)

Genes: TTN (titin; minus strand), TTN-AS1 (TTN antisense RNA 1; plus strand). Cytogenetic location: 2q31.2.
Variant type: single nucleotide variant.
Coding change: c.85195G>A on transcript NM_001267550.2 (MANE Select); coding-DNA position 85195, G replaced by A.
Protein change: p.Glu28399Lys; replaces glutamic acid 28399 with lysine.
Molecular consequence: missense variant.
Genome position (GRCh38, 1-based): chr2:178,560,937, C>T on the plus strand (G>A on the coding strand, the complement: TTN is on the minus strand). VCF-style: chr2-178560937-C-T. GRCh37 (hg19) VCF-style: chr2-179425664-C-T.
Other names: c.77491G>A, p.Glu25831Lys (NM_133378.4); c.80272G>A, p.Glu26758Lys (NM_001256850.1); c.58000G>A, p.Glu19334Lys (NM_003319.4); c.58375G>A, p.Glu19459Lys (NM_133432.3); c.58576G>A, p.Glu19526Lys (NM_133437.4); c.85195G>A (NM_001267550.1); short protein forms E28399K, E25831K, E19526K, E19459K, E26758K, E19334K.
Identifiers: ClinVar variation 47445 (VCV000047445.9), dbSNP rs397517732, ClinGen allele CA141022.